The following is an entry in ClinVar:

NM_005006.7(NDUFS1):c.2102G>A (p.Ser701Asn)

Gene: NDUFS1 (NADH:ubiquinone oxidoreductase core subunit S1; minus strand). Cytogenetic location: 2q33.3.
Variant type: single nucleotide variant.
Coding change: c.2102G>A on transcript NM_005006.7 (MANE Select); coding-DNA position 2102, G replaced by A.
Protein change: p.Ser701Asn; replaces serine 701 with asparagine.
Molecular consequence: missense variant.
Genome position (GRCh38, 1-based): chr2:206,124,267, C>T on the plus strand (G>A on the coding strand, the complement: NDUFS1 is on the minus strand). VCF-style: chr2-206124267-C-T. GRCh37 (hg19) VCF-style: chr2-206988991-C-T.
Other names: c.1994G>A, p.Ser665Asn (NM_001199981.2); c.1769G>A, p.Ser590Asn (NM_001199982.2); c.1931G>A, p.Ser644Asn (NM_001199983.2); c.2144G>A, p.Ser715Asn (NM_001199984.2); short protein forms S590N, S644N, S665N, S701N, S715N.
Identifiers: ClinVar variation 2506502 (VCV002506502.4), dbSNP rs750056825, ClinGen allele CA2070253.
Genomic context (GRCh38, chr2:206,124,267, plus strand): 5'-ACTGCCTGGGCACCCTCTGTGACAGCTTTGACACATTTGGCCATTGTCTGTGAGGCTCTG[C>T]TAATTGAATCTGAAAGATATTAAGAAAATGTCATTTTGATAATACAACTTTTTAAAAAGC-3'
Protein context (NP_004997.4, residues 691-711): IKDFYMTDSI[Ser701Asn]RASQTMAKCV

ClinVar aggregate classification (germline): Conflicting classifications of pathogenicity. Review status: criteria provided, conflicting classifications (1 of 4 stars). 2 submissions from 2 submitters: Likely pathogenic (1); Uncertain significance (1). Last evaluated 2024-01-25.

Conditions:
Mitochondrial complex I deficiency, nuclear type 5. Also called: Mitochondrial complex 1 deficiency, nuclear type 5. Identifiers: MedGen C4748754, MONDO:0032610, OMIM 618226.

Allele frequency attached by ClinVar (database versions not stated): gnomAD exomes 0.00001; ExAC 0.00002.

Submissions (2):

Labcorp Genetics (formerly Invitae), Labcorp
Classification: Uncertain significance. Last evaluated: 2024-01-25. Review status: criteria provided, single submitter. Criteria: Invitae Variant Classification Sherloc (09022015). Collection method: clinical testing. Allele origin: germline.
Comment: This sequence change replaces serine, which is neutral and polar, with asparagine, which is neutral and polar, at codon 701 of the NDUFS1 protein (p.Ser701Asn). This variant is present in population databases (rs750056825, gnomAD 0.01%). This missense change has been observed in individual(s) with clinical features of complex I deficiency and/or Leigh syndrome (PMID: 25615419, 34716721). ClinVar contains an entry for this variant (Variation ID: 2506502). An algorithm developed to predict the effect of missense changes on protein structure and function (PolyPhen-2) suggests that this variant is likely to be disruptive. In summary, the available evidence is currently insufficient to determine the role of this variant in disease. Therefore, it has been classified as a Variant of Uncertain Significance.

Diagnostics Services (NGS), CSIR - Centre For Cellular And Molecular Biology
Classification: Likely pathogenic for Mitochondrial complex I deficiency, nuclear type 5. Last evaluated: 2023-06-22. Review status: criteria provided, single submitter. Criteria: ACMG Guidelines, 2015. Collection method: clinical testing. Allele origin: germline. Affected: yes. Observed: 1 variant allele, 1 homozygote.
Comment: The c.2102G>A variant is not present in publicly available population databases like 1000 Genomes, EVS, Indian Exome Database or in our in-house exome database. The variant is present in gnomAD and ExAC at low frequencies. This variant has been previously observed in affected individuals, published in literature [PMIDs: 25615419, 34716721, 35012964] and reported to the Human Gene Mutation Database (HGMD ID: CM1516823). In silico pathogenicity prediction programs like SIFT, PolyPhen2, MutationTaster2, CADD etc predicted this variant to be likely deleterious, however these predictions were not confirmed by published functional studies.

Literature cited by the submitters: PubMed 25615419 (cited by Labcorp Genetics (formerly Invitae), Labcorp and Diagnostics Services (NGS), CSIR - Centre For Cellular And Molecular Biology); PubMed 34716721 (cited by Labcorp Genetics (formerly Invitae), Labcorp and Diagnostics Services (NGS), CSIR - Centre For Cellular And Molecular Biology); PubMed 35012964 (cited by Diagnostics Services (NGS), CSIR - Centre For Cellular And Molecular Biology).